The following is an entry in ClinVar:

ClinVar aggregate classification (germline): Likely benign. Review status: criteria provided, multiple submitters, no conflicts (2 of 4 stars). 2 submissions from 2 submitters: Likely benign (2). Last evaluated 2024-10-05.

Allele frequency attached by ClinVar (database versions not stated): ExAC 0.00001; gnomAD 0.00001; gnomAD exomes 0.00001; TOPMed 0.00002.
gnomAD v4.1: 24 of 1,614,130 alleles (0.0015%); highest among the groups gnomAD compares: Non-Finnish European, 0.0019%; no homozygotes.

Submissions (2):

Labcorp Genetics (formerly Invitae), Labcorp
Classification: Likely benign. Last evaluated: 2024-10-05. Review status: criteria provided, single submitter. Criteria: Invitae Variant Classification Sherloc (09022015). Collection method: clinical testing. Allele origin: germline.

CeGaT Center for Human Genetics Tuebingen
Classification: Likely benign. Last evaluated: 2022-10-01. Review status: criteria provided, single submitter. Criteria: CeGaT Center For Human Genetics Tuebingen Variant Classification Criteria Version 2. Collection method: clinical testing. Allele origin: germline. Affected: yes. Observed: 1 variant allele.
Comment: SPTBN2: BP4, BP7

NM_006946.4(SPTBN2):c.612C>T (p.Ser204=)

Gene: SPTBN2 (spectrin beta, non-erythrocytic 2; minus strand). Cytogenetic location: 11q13.2.
Variant type: single nucleotide variant.
Coding change: c.612C>T on transcript NM_006946.4 (MANE Select); coding-DNA position 612, C replaced by T.
Protein change: p.Ser204=; no amino-acid change (serine 204 retained).
Molecular consequence: synonymous variant.
Genome position (GRCh38, 1-based): chr11:66,714,135, G>A on the plus strand (C>T on the coding strand, the complement: SPTBN2 is on the minus strand). VCF-style: chr11-66714135-G-A. GRCh37 (hg19) VCF-style: chr11-66481606-G-A.
Other names: c.633C>T, p.Ser211= (NM_001411025.1).
Identifiers: ClinVar variation 1879209 (VCV001879209.31), dbSNP rs144845452, ClinGen allele CA6129621.